The following is an entry in ClinVar:

NM_017588.3(WDR5):c.623C>T (p.Thr208Met)

Gene: WDR5 (WD repeat domain 5; plus strand). Cytogenetic location: 9q34.2.
Variant type: single nucleotide variant.
Coding change: c.623C>T on transcript NM_017588.3 (MANE Select); coding-DNA position 623, C replaced by T.
Protein change: p.Thr208Met; replaces threonine 208 with methionine.
Molecular consequence: missense variant.
Genome position (GRCh38, 1-based): chr9:134,152,021, C>T. VCF-style: chr9-134152021-C-T. GRCh37 (hg19) VCF-style: chr9-137017143-C-T.
Other names: c.623C>T, p.Thr208Met (NM_001384409.1, NM_001384410.1, NM_001384411.1 and 5 more transcripts); c.620C>T, p.Thr207Met (NM_001384416.1); c.614C>T, p.Thr205Met (NM_001384417.1); c.494C>T, p.Thr165Met (NM_001384418.1, NM_001384419.1); short protein forms T165M, T205M, T207M, T208M.
Identifiers: ClinVar variation 3026292 (VCV003026292.23), dbSNP rs2539710078, ClinGen allele CA375438087.

ClinVar aggregate classification (germline): Pathogenic. Review status: criteria provided, multiple submitters, no conflicts (2 of 4 stars). 2 submissions from 2 submitters: Pathogenic (2). Last evaluated 2024-02-01.

Conditions:
WDR5-related disorders.

Submissions (2):

CeGaT Center for Human Genetics Tuebingen
Classification: Pathogenic. Last evaluated: 2024-02-01. Review status: criteria provided, single submitter. Criteria: CeGaT Center For Human Genetics Tuebingen Variant Classification Criteria Version 2. Collection method: clinical testing. Allele origin: germline. Affected: yes. Observed: 1 variant allele.
Comment: WDR5: PS2, PM1, PM2, PS4:Moderate, PP2

Blueprint Genetics
Classification: Pathogenic for WDR5-related disorders. Last evaluated: 2019-12-06. Review status: criteria provided, single submitter. Criteria: ACMG Guidelines, 2015. Collection method: clinical testing. Allele origin: germline. Affected: yes. Observed: 2 variant alleles.